The following is an entry in ClinVar:

ClinVar aggregate classification (germline): Benign/Likely benign. Review status: criteria provided, multiple submitters, no conflicts (2 of 4 stars). 3 submissions from 3 submitters: Benign (1); Likely benign (2). Last evaluated 2017-12-28.

Conditions:
Autosomal recessive nonsyndromic hearing loss 9. Also called: Deafness, autosomal recessive 9; NEUROSENSORY NONSYNDROMIC RECESSIVE DEAFNESS 9; OTOF-Related Hearing Loss; AUDITORY NEUROPATHY, AUTOSOMAL RECESSIVE, 1, TEMPERATURE-SENSITIVE. Identifiers: Orphanet 90636, MedGen C1832828, MONDO:0010986, OMIM 601071.

Allele frequency attached by ClinVar (database versions not stated): gnomAD exomes 0.00356 and 0.00856; ExAC 0.01889; gnomAD 0.03338 and 0.03615; 1000 Genomes Project 0.03454; ESP Exome Variant Server 0.03476; 1000 Genomes Project 30x 0.03685; TOPMed 0.03882.
gnomAD v4.1: 10,426 of 1,586,074 alleles (0.66%); highest among the groups gnomAD compares: African/African-American, 12%; 536 homozygotes.

Submissions (3):

GeneDx
Classification: Benign. Last evaluated: 2017-12-28. Review status: criteria provided, single submitter. Criteria: GeneDx Variant Classification (06012015). Collection method: clinical testing. Allele origin: germline. Affected: yes.
Comment: This variant is considered likely benign or benign based on one or more of the following criteria: it is a conservative change, it occurs at a poorly conserved position in the protein, it is predicted to be benign by multiple in silico algorithms, and/or has population frequency not consistent with disease.

Illumina Laboratory Services, Illumina
Classification: Likely benign for Autosomal recessive nonsyndromic hearing loss 9. Last evaluated: 2017-04-27. Review status: criteria provided, single submitter. Criteria: ICSL Variant Classification Criteria 13 December 2019. Collection method: clinical testing. Allele origin: germline.
Comment: This variant was observed as part of a predisposition screen in an ostensibly healthy population. A literature search was performed for the gene, cDNA change, and amino acid change (where applicable). No publications were found based on this search. Allele frequency data from public databases allowed determination this variant is unlikely to cause disease. Therefore, this variant is classified as likely benign.

Breakthrough Genomics
Classification: Likely benign. Review status: criteria provided, single submitter. Criteria: ACMG Guidelines, 2015. Collection method: not provided. Allele origin: germline. Inheritance: Autosomal recessive inheritance. Affected: yes.

NM_194248.3(OTOF):c.2402A>T (p.Glu801Val)

Gene: OTOF (otoferlin; minus strand). Cytogenetic location: 2p23.3.
Variant type: single nucleotide variant.
Coding change: c.2402A>T on transcript NM_194248.3 (MANE Select); coding-DNA position 2402, A replaced by T.
Protein change: p.Glu801Val; replaces glutamic acid 801 with valine.
Molecular consequence: missense variant.
Genome position (GRCh38, 1-based): chr2:26,477,420, T>A on the plus strand (A>T on the coding strand, the complement: OTOF is on the minus strand). VCF-style: chr2-26477420-T-A. GRCh37 (hg19) VCF-style: chr2-26700288-T-A.
Other names: c.2402A>T, p.Glu801Val (NM_001287489.2); c.161A>T, p.Glu54Val (NM_004802.4, NM_194323.3); c.332A>T, p.Glu111Val (NM_194322.3); short protein forms E801V, E54V, E111V.
Identifiers: ClinVar variation 335446 (VCV000335446.6), dbSNP rs61739883, ClinGen allele CA1563935.
Genomic context (GRCh38, chr2:26,477,420, plus strand): 5'-CACCTTCTCACAACCAGGCCCTCCCTCCAGCCCCCGCCGTCCAGTTGCGTCCTCACCAGC[T>A]CCCTCATGCAGGACTTGAGGCGCTCCCGGTCAAGCCTGGTGCGGGATGAGTGGCCCTGGT-3'
Protein context (NP_919224.1, residues 791-811): DRERLKSCMR[Glu801Val]LENMGQQARM